The following is an entry in ClinVar:

NM_001083961.2(WDR62):c.640_642delinsTT (p.Val214fs)

Gene: WDR62 (WD repeat domain 62; plus strand). Cytogenetic location: 19q13.12.
Variant type: Indel.
Coding change: c.640_642delinsTT on transcript NM_001083961.2 (MANE Select); coding-DNA positions 640 to 642, GTC replaced by TT.
Protein change: p.Val214fs; shifts the reading frame from valine 214.
Molecular consequence: frameshift variant.
Genome position (GRCh38, 1-based): chr19:36,067,384-36,067,386, GTC replaced by TT. VCF-style: chr19-36067384-GTC-TT. GRCh37 (hg19) VCF-style: chr19-36558286-GTC-TT.
Other names: c.640_642delinsTT, p.Val214fs (NM_173636.5); short protein forms V214fs.
Identifiers: ClinVar variation 1326511 (VCV001326511.3), dbSNP rs2145586693, ClinGen allele CA2573054749.
Genomic context (GRCh38, chr19:36,067,384, plus strand): 5'-TCCAACAAGGTATCTTGTAGAGTCATTGCCCTCTCCTTCTCAGAGGACAGCAGCTATTTT[GTC>TT]ACTGTTGGGAACCGCCATGTGAGGTTCTGGTTCTTGGAAGTCTCCACTGAGACAAAGGTG-3'

ClinVar aggregate classification (germline): Pathogenic (1 of 4 stars; one submission).

Submission:

GeneDx
Classification: Pathogenic. Last evaluated: 2021-12-08. Review status: criteria provided, single submitter. Criteria: GeneDx Variant Classification Process June 2021. Collection method: clinical testing. Allele origin: germline. Affected: yes.
Comment: Frameshift variant predicted to result in protein truncation or nonsense mediated decay in a gene for which loss-of-function is a known mechanism of disease; Not observed in large population cohorts (Lek et al., 2016); Has not been previously published as pathogenic or benign to our knowledge